The following is an entry in ClinVar:

ClinVar aggregate classification (germline): Likely pathogenic. Review status: criteria provided, multiple submitters, no conflicts (2 of 4 stars). 2 submissions from 2 submitters: Likely pathogenic (2). Last evaluated 2026-06-10.

Conditions:
Ataxia-telangiectasia syndrome (AT). Also called: Ataxia telangiectasia (A-T); Ataxia-telangiectasia, complementation group E; Ataxia-telangiectasia, complementation group D; AT, COMPLEMENTATION GROUP C; Ataxia-telangiectasia; ATAXIA-TELANGIECTASIA, COMPLEMENTATION GROUP A. Identifiers: Orphanet 100, MedGen C0004135, MONDO:0008840, OMIM 208900.
Familial cancer of breast. Also called: Hereditary breast cancer; hereditary breast carcinoma; BREAST CANCER, FAMILIAL. Identifiers: Orphanet 227535, MedGen C0346153, MONDO:0016419, OMIM 114480. Disease mechanism: loss of function.

Submissions (2):

Myriad Genetics, Inc.
Classification: Likely pathogenic for Familial cancer of breast. Last evaluated: 2026-06-10. Review status: criteria provided, single submitter. Criteria: Myriad Autosomal Dominant, Autosomal Recessive and X-Linked Classification Criteria (2023). Collection method: clinical testing. Allele origin: unknown.
Comment: This variant is considered likely pathogenic. This variant occurs within a consensus splice junction and is predicted to result in abnormal mRNA splicing of either an out-of-frame exon or an in-frame exon necessary for protein stability and/or normal function.

Labcorp Genetics (formerly Invitae), Labcorp
Classification: Likely pathogenic for Ataxia-telangiectasia syndrome. Last evaluated: 2022-11-20. Review status: criteria provided, single submitter. Criteria: Invitae Variant Classification Sherloc (09022015). Collection method: clinical testing. Allele origin: germline.
Comment: In summary, the currently available evidence indicates that the variant is pathogenic, but additional data are needed to prove that conclusively. Therefore, this variant has been classified as Likely Pathogenic. Algorithms developed to predict the effect of sequence changes on RNA splicing suggest that this variant may disrupt the consensus splice site. This variant has not been reported in the literature in individuals affected with ATM-related conditions. This variant is not present in population databases (gnomAD no frequency). This sequence change affects a donor splice site in intron 15 of the ATM gene. It is expected to disrupt RNA splicing. Variants that disrupt the donor or acceptor splice site typically lead to a loss of protein function (PMID: 16199547), and loss-of-function variants in ATM are known to be pathogenic (PMID: 23807571, 25614872).

Literature cited by the submitters: PubMed 16199547 (cited by Labcorp Genetics (formerly Invitae), Labcorp); PubMed 23807571 (cited by Labcorp Genetics (formerly Invitae), Labcorp); PubMed 25614872 (cited by Labcorp Genetics (formerly Invitae), Labcorp).

NM_000051.4(ATM):c.2376+2T>G

Gene: ATM (ATM serine/threonine kinase; plus strand). Cytogenetic location: 11q22.3.
Variant type: single nucleotide variant.
Coding change: c.2376+2T>G on transcript NM_000051.4 (MANE Select); the canonical splice donor site of the intron after coding-DNA position 2376, T replaced by G.
Molecular consequence: splice donor variant.
Genome position (GRCh38, 1-based): chr11:108,257,608, T>G. VCF-style: chr11-108257608-T-G. GRCh37 (hg19) VCF-style: chr11-108128335-T-G.
Other names: c.2376+2T>G (NM_001351834.2).
Identifiers: ClinVar variation 2123452 (VCV002123452.5), dbSNP rs2135408476, ClinGen allele CA382540441.